The following is an entry in ClinVar:

ClinVar aggregate classification (germline): Uncertain significance (1 of 4 stars; one submission).

Conditions:
Propionic acidemia (PROP). Also called: KETOTIC HYPERGLYCINEMIA; GLYCINEMIA, KETOTIC; HYPERGLYCINEMIA WITH KETOACIDOSIS AND LEUKOPENIA. Identifiers: Orphanet 35, MedGen C0268579, MONDO:0011628, OMIM 606054, HP:0003571.

Allele frequency attached by ClinVar (database versions not stated): gnomAD exomes 0.00001.
gnomAD v4.1: 8 of 1,607,392 alleles (0.0005%); highest among the groups gnomAD compares: Non-Finnish European, 0.00068%; no homozygotes.

Submission:

Labcorp Genetics (formerly Invitae), Labcorp
Classification: Uncertain significance for Propionic acidemia. Last evaluated: 2023-10-03. Review status: criteria provided, single submitter. Criteria: Invitae Variant Classification Sherloc (09022015). Collection method: clinical testing. Allele origin: germline.
Comment: This sequence change replaces arginine, which is basic and polar, with threonine, which is neutral and polar, at codon 182 of the PCCB protein (p.Arg182Thr). This variant is not present in population databases (gnomAD no frequency). This variant has not been reported in the literature in individuals affected with PCCB-related conditions. ClinVar contains an entry for this variant (Variation ID: 1351870). An algorithm developed to predict the effect of missense changes on protein structure and function (PolyPhen-2) suggests that this variant is likely to be disruptive. In summary, the available evidence is currently insufficient to determine the role of this variant in disease. Therefore, it has been classified as a Variant of Uncertain Significance.

NM_000532.5(PCCB):c.545G>C (p.Arg182Thr)

Gene: PCCB (propionyl-CoA carboxylase subunit beta; plus strand). Cytogenetic location: 3q22.3.
Variant type: single nucleotide variant.
Coding change: c.545G>C on transcript NM_000532.5 (MANE Select); coding-DNA position 545, G replaced by C.
Protein change: p.Arg182Thr; replaces arginine 182 with threonine.
Molecular consequence: missense variant.
Genome position (GRCh38, 1-based): chr3:136,283,838, G>C. VCF-style: chr3-136283838-G-C. GRCh37 (hg19) VCF-style: chr3-136002680-G-C.
Other names: c.605G>C, p.Arg202Thr (NM_001178014.2); short protein forms R182T, R202T.
Identifiers: ClinVar variation 1351870 (VCV001351870.4), dbSNP rs2108181825, ClinGen allele CA354641766.